The following is an entry in ClinVar:

NM_001177316.2(SLC34A3):c.1727G>T (p.Ser576Ile)

Gene: SLC34A3 (solute carrier family 34 member 3; plus strand). Cytogenetic location: 9q34.3.
Variant type: single nucleotide variant.
Coding change: c.1727G>T on transcript NM_001177316.2 (MANE Select); coding-DNA position 1727, G replaced by T.
Protein change: p.Ser576Ile; replaces serine 576 with isoleucine.
Molecular consequence: missense variant.
Genome position (GRCh38, 1-based): chr9:137,236,343, G>T. VCF-style: chr9-137236343-G-T. GRCh37 (hg19) VCF-style: chr9-140130795-G-T.
Other names: c.1727G>T, p.Ser576Ile (NM_001177317.2, NM_080877.3); short protein forms S576I.
Identifiers: ClinVar variation 595536 (VCV000595536.17), dbSNP rs200090657, ClinGen allele CA5365032.
Genomic context (GRCh38, chr9:137,236,343, plus strand): 5'-TCCATTCTCTGGAGCCCTGGGACCGCCTGGTGACCCGCTGCTGCCCCTGCAACGTCTGCA[G>T]CCCCCCGAAGGCCACCACCAAAGAGGCCTACTGCTACGAGAACCCTGAGATCTTGGCCTC-3'
Protein context (NP_001170787.2, residues 566-586): VTRCCPCNVC[Ser576Ile]PPKATTKEAY

ClinVar aggregate classification (germline): Uncertain significance. Review status: criteria provided, multiple submitters, no conflicts (2 of 4 stars). 8 submissions from 8 submitters: Uncertain significance (7). 1 of the submissions does not count toward it. Last evaluated 2026-02-17.

Conditions:
Inborn genetic diseases. Identifiers: MedGen C0950123, MeSH D030342.
Autosomal recessive hypophosphatemic bone disease (HHRH). Also called: HYPERCALCIURIC RICKETS; Hypophosphatemic rickets with hypercalciuria. Identifiers: Orphanet 157215, MedGen C1853271, MONDO:0009431, OMIM 241530.

Allele frequency attached by ClinVar (database versions not stated): 1000 Genomes Project 30x 0.00016; 1000 Genomes Project 0.00020; TOPMed 0.00057; gnomAD exomes 0.00061 and 0.00080; gnomAD 0.00064 and 0.00065; ExAC 0.00065; ESP Exome Variant Server 0.00080.

Submissions (8):

Women's Health and Genetics/Laboratory Corporation of America, LabCorp
Classification: Uncertain significance. Last evaluated: 2026-02-17. Review status: criteria provided, single submitter. Criteria: LabCorp Variant Classification Summary - May 2015. Collection method: clinical testing. Allele origin: germline.
Comment: Variant summary: SLC34A3 c.1727G>T (p.Ser576Ile) results in a non-conservative amino acid change in the encoded protein sequence. Algorithms developed to predict the effect of missense changes on protein structure and function are either unavailable or do not agree on the potential impact of this missense change. The variant allele was found at a frequency of 0.00061 in 148260 control chromosomes. This frequency is not significantly higher than estimated for disease-causing variants in SLC34A3, allowing no conclusion about variant significance. c.1727G>T has been observed in two heterozygous individuals affected with Hereditary Hypophosphatemic Rickets With Hypercalciuria, with second variant not reported (e.g. Rush_2022, Garca-Castao_2024). These report(s) do not provide unequivocal conclusions about association of the variant with Hereditary Hypophosphatemic Rickets With Hypercalciuria. To our knowledge, no experimental evidence demonstrating an impact on protein function has been reported. The following publications have been ascertained in the context of this evaluation (PMID: 38586466, 34633109). ClinVar contains an entry for this variant (Variation ID: 595536). Based on the evidence outlined above, the variant was classified as uncertain significance.

GeneDx
Classification: Uncertain significance. Last evaluated: 2025-06-30. Review status: criteria provided, single submitter. Criteria: GeneDx Variant Classification Process June 2021. Collection method: clinical testing. Allele origin: germline. Affected: yes.
Comment: Identified in patients with hypophosphatemia or hypercalcemia in published literature and classified as a variant of uncertain significance by authors (PMID: 38586466, 34633109); In silico analysis suggests that this missense variant does not alter protein structure/function; This variant is associated with the following publications: (PMID: 34633109, 38586466)

Blueprint Genetics
Classification: Uncertain significance. Last evaluated: 2024-11-26. Review status: criteria provided, single submitter. Criteria: ACMG Guidelines, 2015. Collection method: clinical testing. Allele origin: germline.

Labcorp Genetics (formerly Invitae), Labcorp
Classification: Uncertain significance. Last evaluated: 2022-09-27. Review status: criteria provided, single submitter. Criteria: Invitae Variant Classification Sherloc (09022015). Collection method: clinical testing. Allele origin: germline.
Comment: This sequence change replaces serine, which is neutral and polar, with isoleucine, which is neutral and non-polar, at codon 576 of the SLC34A3 protein (p.Ser576Ile). This variant is present in population databases (rs200090657, gnomAD 0.1%), and has an allele count higher than expected for a pathogenic variant. This variant has not been reported in the literature in individuals affected with SLC34A3-related conditions. ClinVar contains an entry for this variant (Variation ID: 595536). Advanced modeling of protein sequence and biophysical properties (such as structural, functional, and spatial information, amino acid conservation, physicochemical variation, residue mobility, and thermodynamic stability) performed at Invitae indicates that this missense variant is not expected to disrupt SLC34A3 protein function. In summary, the available evidence is currently insufficient to determine the role of this variant in disease. Therefore, it has been classified as a Variant of Uncertain Significance.

Fulgent Genetics
Classification: Uncertain significance for Autosomal recessive hypophosphatemic bone disease. Last evaluated: 2022-05-03. Review status: criteria provided, single submitter. Criteria: ACMG Guidelines, 2015. Collection method: clinical testing. Allele origin: unknown.

Ambry Genetics
Classification: Uncertain significance for Inborn genetic diseases. Last evaluated: 2021-07-09. Review status: criteria provided, single submitter. Criteria: Ambry Variant Classification Scheme 2023. Collection method: clinical testing. Allele origin: germline.

Eurofins Ntd Llc (ga)
Classification: Uncertain significance. Last evaluated: 2018-01-02. Review status: criteria provided, single submitter. Criteria: EGL Classification Definitions 2015. Collection method: clinical testing. Allele origin: germline. Observed: 1 variant allele, 1 heterozygote.

Molecular Genetics Laboratory, Biobizkaia Health Research Institute
Classification: Uncertain significance for Autosomal recessive hypophosphatemic bone disease. Last evaluated: 2024-03-08. Review status: no assertion criteria provided. Collection method: clinical testing. Allele origin: paternal. Not counted in ClinVar's aggregate classification.

Literature cited by the submitters: PubMed 34633109 (cited by Women's Health and Genetics/Laboratory Corporation of America, LabCorp); PubMed 38586466 (cited by Women's Health and Genetics/Laboratory Corporation of America, LabCorp).